The following is an entry in ClinVar:

ClinVar aggregate classification (germline): Likely pathogenic (1 of 4 stars; one submission).

Allele frequency attached by ClinVar (database versions not stated): TOPMed below 0.00001.

Submission:

Labcorp Genetics (formerly Invitae), Labcorp
Classification: Likely pathogenic. Last evaluated: 2022-02-05. Review status: criteria provided, single submitter. Criteria: Invitae Variant Classification Sherloc (09022015). Collection method: clinical testing. Allele origin: germline.
Comment: In summary, the currently available evidence indicates that the variant is pathogenic, but additional data are needed to prove that conclusively. Therefore, this variant has been classified as Likely Pathogenic. Algorithms developed to predict the effect of sequence changes on RNA splicing suggest that this variant may disrupt the consensus splice site. This variant has not been reported in the literature in individuals affected with PCDH15-related conditions. This variant is not present in population databases (gnomAD no frequency). This sequence change affects an acceptor splice site in intron 30 of the PCDH15 gene. It is expected to disrupt RNA splicing. Variants that disrupt the donor or acceptor splice site typically lead to a loss of protein function (PMID: 16199547), and loss-of-function variants in PCDH15 are known to be pathogenic (PMID: 11398101, 11487575, 14570705).

Literature cited by the submitters: PubMed 16199547; PubMed 11398101; PubMed 11487575; PubMed 14570705.

NM_001384140.1(PCDH15):c.4203-1G>A

Gene: PCDH15 (protocadherin related 15; minus strand). Cytogenetic location: 10q21.1.
Variant type: single nucleotide variant.
Coding change: c.4203-1G>A on transcript NM_001384140.1 (MANE Select); the canonical splice acceptor site of the intron before coding-DNA position 4203, G replaced by A.
Molecular consequence: splice acceptor variant. On other transcripts: intron variant (3).
Genome position (GRCh38, 1-based): chr10:53,828,574, C>T on the plus strand (G>A on the coding strand, the complement: PCDH15 is on the minus strand). VCF-style: chr10-53828574-C-T. GRCh37 (hg19) VCF-style: chr10-55588334-C-T.
Other names: c.4203-1G>A (NM_001354420.2, NM_001354429.2, NM_001142772.2 and 3 more transcripts); c.4218-1G>A (NM_001142771.2, NM_001142763.2); c.4224-1G>A (NM_001354411.2); c.4239-1G>A (NM_001142769.3); c.4137-1G>A (NM_001354404.2, NM_001142768.2); c.4137-1026G>A (NM_001142773.2); c.4092-1026G>A (NM_001142767.2); c.3990-1G>A (NM_001142765.2); and 1 more.
Identifiers: ClinVar variation 1348442 (VCV001348442.6), dbSNP rs2076841806, ClinGen allele CA376528084.